The following is an entry in ClinVar:

NM_175634.3(RUNX1T1):c.840C>T (p.Asn280=)

Gene: RUNX1T1 (RUNX1 partner transcriptional co-repressor 1; minus strand). Cytogenetic location: 8q21.3.
Variant type: single nucleotide variant.
Coding change: c.840C>T on transcript NM_175634.3 (MANE Select); coding-DNA position 840, C replaced by T.
Protein change: p.Asn280=; no amino-acid change (asparagine 280 retained).
Molecular consequence: synonymous variant.
Genome position (GRCh38, 1-based): chr8:91,991,790, G>A on the plus strand (C>T on the coding strand, the complement: RUNX1T1 is on the minus strand). VCF-style: chr8-91991790-G-A. GRCh37 (hg19) VCF-style: chr8-93004018-G-A.
Other names: c.759C>T, p.Asn253= (NM_001198625.2, NM_001198632.2, NM_004349.4); c.840C>T, p.Asn280= (NM_001198626.2, NM_001198627.2, NM_001198628.2 and 3 more transcripts); c.780C>T, p.Asn260= (NM_001198633.2); c.873C>T, p.Asn291= (NM_001198634.2); c.1017C>T, p.Asn339= (NM_001198679.3); c.924C>T, p.Asn308= (NM_001395209.1); c.729C>T, p.Asn243= (NM_175635.3, NM_175636.2).
Identifiers: ClinVar variation 3053818 (VCV003053818.2), dbSNP rs73306020, ClinGen allele CA4806030.

ClinVar aggregate classification (germline): Benign (0 of 4 stars; one submission).

Conditions:
RUNX1T1-related disorder. Also called: RUNX1T1-related condition.

Allele frequency attached by ClinVar (database versions not stated): gnomAD exomes 0.00020; ExAC 0.00058; gnomAD 0.00199; TOPMed 0.00232; 1000 Genomes Project 0.00240; 1000 Genomes Project 30x 0.00265; ESP Exome Variant Server 0.00308.
gnomAD v4.1: 605 of 1,614,118 alleles (0.037%); highest among the groups gnomAD compares: African/African-American, 0.7%; 5 homozygotes.

Submission:

PreventionGenetics, part of Exact Sciences
Classification: Benign for RUNX1T1-related condition. Last evaluated: 2019-08-14. Review status: no assertion criteria provided. Collection method: clinical testing. Allele origin: germline.
Comment: This variant is classified as benign based on ACMG/AMP sequence variant interpretation guidelines (Richards et al. 2015 PMID: 25741868, with internal and published modifications).